The following is an entry in ClinVar:

NM_000548.5(TSC2):c.1985C>G (p.Pro662Arg)

Gene: TSC2 (TSC complex subunit 2; plus strand). Cytogenetic location: 16p13.3.
Variant type: single nucleotide variant.
Coding change: c.1985C>G on transcript NM_000548.5 (MANE Select); coding-DNA position 1985, C replaced by G.
Protein change: p.Pro662Arg; replaces proline 662 with arginine.
Molecular consequence: missense variant. On other transcripts: non-coding transcript variant (5).
Genome position (GRCh38, 1-based): chr16:2,071,822, C>G. VCF-style: chr16-2071822-C-G. GRCh37 (hg19) VCF-style: chr16-2121823-C-G.
Other names: c.1385C>G, p.Pro462Arg (NM_001406688.1, NM_001406680.1, NM_001406682.1 and 6 more transcripts); c.641C>G, p.Pro214Arg (NM_001406689.1, NM_001406690.1, NM_001406691.1 and 6 more transcripts); c.1838C>G, p.Pro613Arg (NM_001406679.1, NM_001406675.1, NM_001406676.1 and 1 more transcripts); c.1523C>G, p.Pro508Arg (NM_001406681.1); c.383C>G, p.Pro128Arg (NM_001406698.1); c.1985C>G, p.Pro662Arg (NM_021055.3, NM_001406665.1, NM_001370404.1 and 6 more transcripts); c.2075C>G, p.Pro692Arg (NM_001406667.1, NM_001406668.1); c.1874C>G, p.Pro625Arg (NM_001406670.1, NM_001406678.1, NM_001318827.2); and 3 more; short protein forms P462R, P643R, P128R, P508R, P625R, P692R, P613R, P658R.
Identifiers: ClinVar variation 3707570 (VCV003707570.2).

ClinVar aggregate classification (germline): Uncertain significance (1 of 4 stars; one submission).

Conditions:
Tuberous sclerosis 2 (TSC2). Identifiers: Orphanet 805, MedGen C1860707, MONDO:0013199, OMIM 613254.

gnomAD v4.1: 1 of 1,600,528 alleles (0.000062%); highest among the groups gnomAD compares: South Asian, 0.0011%; no homozygotes.

Submission:

Labcorp Genetics (formerly Invitae), Labcorp
Classification: Uncertain significance for Tuberous sclerosis 2. Last evaluated: 2024-03-01. Review status: criteria provided, single submitter. Criteria: Invitae Variant Classification Sherloc (09022015). Collection method: clinical testing. Allele origin: germline.
Comment: This sequence change replaces proline, which is neutral and non-polar, with arginine, which is basic and polar, at codon 662 of the TSC2 protein (p.Pro662Arg). This variant is not present in population databases (gnomAD no frequency). This variant has not been reported in the literature in individuals affected with TSC2-related conditions. Advanced modeling of protein sequence and biophysical properties (such as structural, functional, and spatial information, amino acid conservation, physicochemical variation, residue mobility, and thermodynamic stability) performed at Invitae indicates that this missense variant is not expected to disrupt TSC2 protein function with a negative predictive value of 95%. In summary, the available evidence is currently insufficient to determine the role of this variant in disease. Therefore, it has been classified as a Variant of Uncertain Significance.